The following is an entry in ClinVar:

NM_002471.4(MYH6):c.4416A>G (p.Ser1472=)

Gene: MYH6 (myosin heavy chain 6; minus strand). Cytogenetic location: 14q11.2.
Variant type: single nucleotide variant.
Coding change: c.4416A>G on transcript NM_002471.4 (MANE Select); coding-DNA position 4416, A replaced by G.
Protein change: p.Ser1472=; no amino-acid change (serine 1472 retained).
Molecular consequence: synonymous variant.
Genome position (GRCh38, 1-based): chr14:23,387,867, T>C on the plus strand (A>G on the coding strand, the complement: MYH6 is on the minus strand). VCF-style: chr14-23387867-T-C. GRCh37 (hg19) VCF-style: chr14-23857076-T-C.
Identifiers: ClinVar variation 177963 (VCV000177963.45), dbSNP rs140800076, ClinGen allele CA181080.
Genomic context (GRCh38, chr14:23,387,867, plus strand): 5'-CTCCTCGTAGGCGTTCTTGAGCTTGAAGAGCTCTGTGCTGAGGGAGCGAGCCTCCTTCTG[T>C]GAGGACTCCAGCTCAGACTGCGACTCCTCATACTTCTGCTTCCACTCGGCCAGGATCTGC-3'
Protein context (NP_002462.2, residues 1462-1482): YEESQSELES[Ser1472=]QKEARSLSTE

ClinVar aggregate classification (germline): Benign/Likely benign. Review status: criteria provided, multiple submitters, no conflicts (2 of 4 stars). 8 submissions from 8 submitters: Benign (3); Likely benign (5). Last evaluated 2026-01-27.

Conditions:
Cardiovascular phenotype. Identifiers: MedGen CN230736.
Hypertrophic cardiomyopathy 14. Identifiers: MedGen C2750467, MONDO:0013197, OMIM 613251.

Allele frequency attached by ClinVar (database versions not stated): gnomAD exomes 0.00017 and 0.00052; ExAC 0.00065; gnomAD 0.00189 and 0.00199; 1000 Genomes Project 0.00200; TOPMed 0.00200; 1000 Genomes Project 30x 0.00203; ESP Exome Variant Server 0.00208.
gnomAD v4.1: 553 of 1,614,088 alleles (0.034%); highest among the groups gnomAD compares: African/African-American, 0.64%; 1 homozygote.

Submissions (8):

Labcorp Genetics (formerly Invitae), Labcorp
Classification: Benign for Hypertrophic cardiomyopathy 14. Last evaluated: 2026-01-27. Review status: criteria provided, single submitter. Criteria: Invitae Variant Classification Sherloc (09022015). Collection method: clinical testing. Allele origin: germline.

Blueprint Genetics
Classification: Likely benign. Last evaluated: 2024-10-24. Review status: criteria provided, single submitter. Criteria: ACMG Guidelines, 2015. Collection method: clinical testing. Allele origin: germline.

CeGaT Center for Human Genetics Tuebingen
Classification: Likely benign. Last evaluated: 2023-11-01. Review status: criteria provided, single submitter. Criteria: CeGaT Center For Human Genetics Tuebingen Variant Classification Criteria Version 2. Collection method: clinical testing. Allele origin: germline. Affected: yes. Observed: 1 variant allele.
Comment: MYH6: BP4, BP7

GeneDx
Classification: Likely benign. Last evaluated: 2021-06-21. Review status: criteria provided, single submitter. Criteria: GeneDx Variant Classification Process June 2021. Collection method: clinical testing. Allele origin: germline. Affected: yes.

Women's Health and Genetics/Laboratory Corporation of America, LabCorp
Classification: Benign. Last evaluated: 2019-12-14. Review status: criteria provided, single submitter. Criteria: LabCorp Variant Classification Summary - May 2015. Collection method: clinical testing. Allele origin: germline.

Ambry Genetics
Classification: Likely benign for Cardiovascular phenotype. Last evaluated: 2015-04-08. Review status: criteria provided, single submitter. Criteria: Ambry Variant Classification Scheme 2023. Collection method: clinical testing. Allele origin: germline.

Laboratory for Molecular Medicine, Mass General Brigham Personalized Medicine
Classification: Benign. Last evaluated: 2012-01-06. Review status: criteria provided, single submitter. Criteria: LMM Criteria. Collection method: clinical testing. Allele origin: germline. Observed: 4 variant alleles.
Comment: Ser1472Ser in Exon 31 of MYH6: This variant is not expected to have clinical sig nificance because it does not alter an amino acid residue, is not located within the splice consensus sequence and has been identified in 0.6% (21/3738) of Afri can American chromosomes from a broad population by the NHLBI Exome Sequencing P roject (dbSNP rs140800076).

Breakthrough Genomics
Classification: Likely benign. Review status: criteria provided, single submitter. Criteria: ACMG Guidelines, 2015. Collection method: not provided. Allele origin: germline. Inheritance: Autosomal dominant inheritance. Affected: yes.